The following is an entry in ClinVar:

ClinVar aggregate classification (germline): Uncertain significance (1 of 4 stars; one submission).

Conditions:
PGM1-congenital disorder of glycosylation. Also called: GSD XIV; CDG It; PHOSPHOGLUCOMUTASE 1 DEFICIENCY; PGM1 DEFICIENCY; GLYCOGEN STORAGE DISEASE XIV; Congenital disorder of glycosylation type 1t. Identifiers: Orphanet 319646, MedGen C2752015, MONDO:0013968, OMIM 614921.

Allele frequency attached by ClinVar (database versions not stated): gnomAD exomes below 0.00001.
gnomAD v4.1: 1 of 1,613,494 alleles (0.000062%); highest among the groups gnomAD compares: Non-Finnish European, 0.000085%; no homozygotes.

Submission:

Labcorp Genetics (formerly Invitae), Labcorp
Classification: Uncertain significance for PGM1-congenital disorder of glycosylation. Last evaluated: 2022-07-11. Review status: criteria provided, single submitter. Criteria: Invitae Variant Classification Sherloc (09022015). Collection method: clinical testing. Allele origin: germline.
Comment: In summary, the available evidence is currently insufficient to determine the role of this variant in disease. Therefore, it has been classified as a Variant of Uncertain Significance. Algorithms developed to predict the effect of missense changes on protein structure and function (SIFT, PolyPhen-2, Align-GVGD) all suggest that this variant is likely to be tolerated. This variant has not been reported in the literature in individuals affected with PGM1-related conditions. This variant is not present in population databases (gnomAD no frequency). This sequence change replaces isoleucine, which is neutral and non-polar, with threonine, which is neutral and polar, at codon 109 of the PGM1 protein (p.Ile109Thr).

NM_002633.3(PGM1):c.326T>C (p.Ile109Thr)

Gene: PGM1 (phosphoglucomutase 1; plus strand). Cytogenetic location: 1p31.3.
Variant type: single nucleotide variant.
Coding change: c.326T>C on transcript NM_002633.3 (MANE Select); coding-DNA position 326, T replaced by C.
Protein change: p.Ile109Thr; replaces isoleucine 109 with threonine.
Molecular consequence: missense variant. On other transcripts: 5 prime UTR variant (1).
Genome position (GRCh38, 1-based): chr1:63,629,504, T>C. VCF-style: chr1-63629504-T-C. GRCh37 (hg19) VCF-style: chr1-64095175-T-C.
Other names: c.380T>C, p.Ile127Thr (NM_001172818.1); c.-266T>C (NM_001172819.2); short protein forms I109T, I127T.
Identifiers: ClinVar variation 1897397 (VCV001897397.3), dbSNP rs2523875154, ClinGen allele CA340645908.